The following is an entry in ClinVar:

NM_002972.4(SBF1):c.5492G>A (p.Gly1831Asp)

Gene: SBF1 (SET binding factor 1; minus strand). Cytogenetic location: 22q13.33.
Variant type: single nucleotide variant.
Coding change: c.5492G>A on transcript NM_002972.4 (MANE Select); coding-DNA position 5492, G replaced by A.
Protein change: p.Gly1831Asp; replaces glycine 1831 with aspartic acid.
Molecular consequence: missense variant.
Genome position (GRCh38, 1-based): chr22:50,447,413, C>T on the plus strand (G>A on the coding strand, the complement: SBF1 is on the minus strand). VCF-style: chr22-50447413-C-T. GRCh37 (hg19) VCF-style: chr22-50885842-C-T.
Other names: c.5417G>A, p.Gly1806Asp (NM_001365819.1); c.5495G>A, p.Gly1832Asp (NM_001410794.1); c.5414G>A, p.Gly1805Asp (NM_001410795.1); short protein forms G1805D, G1831D, G1832D, G1806D.
Identifiers: ClinVar variation 3690316 (VCV003690316.2).

ClinVar aggregate classification (germline): Uncertain significance (1 of 4 stars; one submission).

gnomAD v4.1: 3 of 1,613,946 alleles (0.00019%); highest among the groups gnomAD compares: Non-Finnish European, 0.00017%; no homozygotes.

Submission:

Labcorp Genetics (formerly Invitae), Labcorp
Classification: Uncertain significance. Last evaluated: 2024-12-02. Review status: criteria provided, single submitter. Criteria: Invitae Variant Classification Sherloc (09022015). Collection method: clinical testing. Allele origin: germline.
Comment: This sequence change replaces glycine, which is neutral and non-polar, with aspartic acid, which is acidic and polar, at codon 1831 of the SBF1 protein (p.Gly1831Asp). This variant is not present in population databases (gnomAD no frequency). This variant has not been reported in the literature in individuals affected with SBF1-related conditions. Invitae Evidence Modeling of protein sequence and biophysical properties (such as structural, functional, and spatial information, amino acid conservation, physicochemical variation, residue mobility, and thermodynamic stability) indicates that this missense variant is expected to disrupt SBF1 protein function with a positive predictive value of 80%. In summary, the available evidence is currently insufficient to determine the role of this variant in disease. Therefore, it has been classified as a Variant of Uncertain Significance.